The following is an entry in ClinVar:

ClinVar aggregate classification (germline): Likely benign (1 of 4 stars; one submission).

Submission:

CeGaT Center for Human Genetics Tuebingen
Classification: Likely benign. Last evaluated: 2025-11-01. Review status: criteria provided, single submitter. Criteria: CeGaT Center For Human Genetics Tuebingen Variant Classification Criteria Version 2. Collection method: clinical testing. Allele origin: germline. Affected: yes. Observed: 1 variant allele.
Comment: JARID2: PM4:Supporting, BS2

NM_004973.4(JARID2):c.1351_1353del (p.Glu451del)

Gene: JARID2 (jumonji and AT-rich interaction domain containing 2; plus strand). Cytogenetic location: 6p22.3.
Variant type: Deletion.
Coding change: c.1351_1353del on transcript NM_004973.4 (MANE Select); coding-DNA positions 1351 to 1353, 3 bases deleted (GAG; older notation c.1351_1353delGAG).
Protein change: p.Glu451del; deletes glutamic acid 451.
Molecular consequence: inframe deletion.
Genome position (GRCh38, 1-based): chr6:15,496,576-15,496,578, GAG deleted; deleting any 3 consecutive bases within chr6:15,496,575-15,496,578 gives the same sequence; the c. name uses the placement nearest the transcript's 3' end. VCF-style (leftmost placement, unchanged base first): chr6-15496574-CGGA-C. GRCh37 (hg19) VCF-style: chr6-15496805-CGGA-C.
Other names: c.835_837del, p.Glu279del (NM_001267040.1); short protein forms E279del, E451del.
Identifiers: ClinVar variation 4534332 (VCV004534332.6).